The following is an entry in ClinVar:

NM_173354.5(SIK1):c.372C>A (p.Asn124Lys)

Gene: SIK1 (salt inducible kinase 1; minus strand). Cytogenetic location: 21q22.3.
Variant type: single nucleotide variant.
Coding change: c.372C>A on transcript NM_173354.5 (MANE Select); coding-DNA position 372, C replaced by A.
Protein change: p.Asn124Lys; replaces asparagine 124 with lysine.
Molecular consequence: missense variant.
Genome position (GRCh38, 1-based): chr21:43,421,765, G>T on the plus strand (C>A on the coding strand, the complement: SIK1 is on the minus strand). VCF-style: chr21-43421765-G-T. GRCh37 (hg19) VCF-style: chr21-44841645-G-T.
Other names: short protein forms N124K.
Identifiers: ClinVar variation 1449628 (VCV001449628.8), dbSNP rs776158971, ClinGen allele CA410610354.
Genomic context (GRCh38, chr21:43,421,765, plus strand): 5'-GTGATGGTCGTGACAGTACTCCACGGCCGACAGGATTTGCCAGAACTTCTTCCGCGCCTC[G>T]TTCTCACTCAGGTGCCCGTTGGAAGTCAAATAATCTGAGGAGCCACAAAACAAAGCTACA-3'
Protein context (NP_775490.2, residues 114-134): YLTSNGHLSE[Asn124Lys]EARKKFWQIL

ClinVar aggregate classification (germline): Uncertain significance (1 of 4 stars; one submission).

Conditions:
Developmental and epileptic encephalopathy, 30 (DEE30). Also called: Epileptic encephalopathy, early infantile, 30. Identifiers: MedGen C4225360, MONDO:0014595, OMIM 616341.

Submission:

Labcorp Genetics (formerly Invitae), Labcorp
Classification: Uncertain significance for Developmental and epileptic encephalopathy, 30. Last evaluated: 2023-12-07. Review status: criteria provided, single submitter. Criteria: Invitae Variant Classification Sherloc (09022015). Collection method: clinical testing. Allele origin: germline.
Comment: This sequence change replaces asparagine, which is neutral and polar, with lysine, which is basic and polar, at codon 124 of the SIK1 protein (p.Asn124Lys). This variant is present in population databases (no rsID available, gnomAD 0.01%). This variant has not been reported in the literature in individuals affected with SIK1-related conditions. ClinVar contains an entry for this variant (Variation ID: 1449628). An algorithm developed to predict the effect of missense changes on protein structure and function (PolyPhen-2) suggests that this variant is likely to be tolerated. In summary, the available evidence is currently insufficient to determine the role of this variant in disease. Therefore, it has been classified as a Variant of Uncertain Significance.